The following is an entry in ClinVar:

ClinVar aggregate classification (germline): Uncertain significance (1 of 4 stars; one submission).

Conditions:
Neurodevelopmental disorder with ataxic gait, absent speech, and decreased cortical white matter. Identifiers: MedGen C4540498, MONDO:0060624, OMIM 617807.

Submission:

3billion
Classification: Uncertain significance for Neurodevelopmental disorder with ataxic gait, absent speech, and decreased cortical white matter. Last evaluated: 2024-11-25. Review status: criteria provided, single submitter. Criteria: ACMG Guidelines, 2015. Collection method: clinical testing. Allele origin: germline. Affected: yes.
Comment: The variant is not observed in the gnomAD v4.1.0 dataset. Predicted Consequence/Location: Missense variant. Missense changes are a common disease-causing mechanism. In silico tool predictions suggest damaging effect of the variant on gene or gene product [REVEL: 0.62 (>=0.6, sensitivity 0.68 and specificity 0.92)]. A different missense change at the same codon (p.Arg33Cys) has been reported to be associated with RAB11B related disorder (PMID: 36553572). Therefore, this variant is classified as VUS according to the recommendation of ACMG/AMP guideline.

Literature cited by the submitters: PubMed 36553572.

NM_004218.4(RAB11B):c.97C>G (p.Arg33Gly)

Gene: RAB11B (RAB11B, member RAS oncogene family; plus strand). Cytogenetic location: 19p13.2.
Variant type: single nucleotide variant.
Coding change: c.97C>G on transcript NM_004218.4 (MANE Select); coding-DNA position 97, C replaced by G.
Protein change: p.Arg33Gly; replaces arginine 33 with glycine.
Molecular consequence: missense variant.
Genome position (GRCh38, 1-based): chr19:8,399,919, C>G. VCF-style: chr19-8399919-C-G. GRCh37 (hg19) VCF-style: chr19-8464803-C-G.
Other names: short protein forms R33G.
Identifiers: ClinVar variation 4292625 (VCV004292625.1).
Genomic context (GRCh38, chr19:8,399,919, plus strand): 5'-CCAGTGGTGCTCATCGGGGACTCAGGCGTGGGCAAGAGCAACCTGCTGTCGCGCTTCACC[C>G]GCAACGAGTTCAACCTGGAGAGCAAGAGCACCATCGGCGTGGAGTTCGCCACCCGCAGCA-3'
Protein context (NP_004209.2, residues 23-43): GKSNLLSRFT[Arg33Gly]NEFNLESKST